The following is an entry in ClinVar:

ClinVar aggregate classification (germline): Pathogenic (1 of 4 stars; one submission).

Submission:

Labcorp Genetics (formerly Invitae), Labcorp
Classification: Pathogenic. Last evaluated: 2021-10-22. Review status: criteria provided, single submitter. Criteria: Invitae Variant Classification Sherloc (09022015). Collection method: clinical testing. Allele origin: germline.
Comment: For these reasons, this variant has been classified as Pathogenic. This variant has not been reported in the literature in individuals affected with ADGRV1-related conditions. This variant is not present in population databases (gnomAD no frequency). This sequence change creates a premature translational stop signal (p.Val2825Serfs*17) in the ADGRV1 gene. It is expected to result in an absent or disrupted protein product. Loss-of-function variants in ADGRV1 are known to be pathogenic (PMID: 19357117, 22135276, 22147658, 26226137, 26667666, 30029497, 32467589).

Literature cited by the submitters: PubMed 19357117; PubMed 22135276; PubMed 22147658; PubMed 26226137; PubMed 26667666; PubMed 30029497; PubMed 32467589.

NM_032119.4(ADGRV1):c.8471dup (p.Val2825fs)

Gene: ADGRV1 (adhesion G protein-coupled receptor V1; plus strand). Cytogenetic location: 5q14.3.
Variant type: Duplication.
Coding change: c.8471dup on transcript NM_032119.4 (MANE Select); coding-DNA position 8471, one base duplicated (G; older notation c.8471dupG).
Protein change: p.Val2825fs; shifts the reading frame from valine 2825.
Molecular consequence: frameshift variant. On other transcripts: non-coding transcript variant (1).
Genome position (GRCh38, 1-based): chr5:90,705,484, G duplicated; the last of 2 consecutive G bases (chr5:90,705,483-90,705,484); duplicating either gives the same sequence. VCF-style (leftmost placement, unchanged base first): chr5-90705482-T-TG. GRCh37 (hg19) VCF-style: chr5-90001299-T-TG.
Other names: short protein forms V2825fs.
Identifiers: ClinVar variation 1419405 (VCV001419405.6), dbSNP rs2149692821, ClinGen allele CA2573140005.
Genomic context (GRCh38, chr5:90,705,482, plus strand): 5'-CCTGCTTGATGCTCAAGGATATGCAGCTGTCCTCACAGTAGAAGCCAGTGATGAACCACA[T>TG]GGAGTTTTAAATTTTGCTCTTTCATCAAGATTTGTGTTACTACAAGAGGCTAACATAACA-3'